The following is an entry in ClinVar:

ClinVar aggregate classification (germline): Likely benign. Review status: criteria provided, multiple submitters, no conflicts (2 of 4 stars). 4 submissions from 4 submitters: Likely benign (3). 1 of the submissions does not count toward it. Last evaluated 2026-05-01.

Conditions:
TDP2-related disorder. Also called: TDP2-related condition.

Allele frequency attached by ClinVar (database versions not stated): 1000 Genomes Project 30x 0.00187; 1000 Genomes Project 0.00220; ESP Exome Variant Server 0.00300.
gnomAD v4.1: 6,363 of 1,613,966 alleles (0.39%); highest among the groups gnomAD compares: Non-Finnish European, 0.48%; 12 homozygotes.

Submissions (4):

CeGaT Center for Human Genetics Tuebingen
Classification: Likely benign. Last evaluated: 2026-05-01. Review status: criteria provided, single submitter. Criteria: CeGaT Center For Human Genetics Tuebingen Variant Classification Criteria Version 2. Collection method: clinical testing. Allele origin: germline. Affected: yes. Observed: 10 variant alleles.
Comment: TDP2: BP4, BS2

Labcorp Genetics (formerly Invitae), Labcorp
Classification: Likely benign. Last evaluated: 2019-12-31. Review status: criteria provided, single submitter. Criteria: Invitae Variant Classification Sherloc (09022015). Collection method: clinical testing. Allele origin: germline.

Breakthrough Genomics
Classification: Likely benign. Review status: criteria provided, single submitter. Criteria: ACMG Guidelines, 2015. Collection method: not provided. Allele origin: germline. Inheritance: Autosomal recessive inheritance. Affected: yes.

PreventionGenetics, part of Exact Sciences
Classification: Likely benign for TDP2-related condition. Last evaluated: 2022-07-14. Review status: no assertion criteria provided. Collection method: clinical testing. Allele origin: germline. Not counted in ClinVar's aggregate classification.
Comment: This variant is classified as likely benign based on ACMG/AMP sequence variant interpretation guidelines (Richards et al. 2015 PMID: 25741868, with internal and published modifications).

NM_016614.3(TDP2):c.17G>T (p.Cys6Phe)

Genes: TDP2 (tyrosyl-DNA phosphodiesterase 2; minus strand), LOC113174982 (Sharpr-MPRA regulatory region 5933; plus strand). Cytogenetic location: 6p22.3.
Variant type: single nucleotide variant.
Coding change: c.17G>T on transcript NM_016614.3 (MANE Select); coding-DNA position 17, G replaced by T.
Protein change: p.Cys6Phe; replaces cysteine 6 with phenylalanine.
Molecular consequence: missense variant.
Genome position (GRCh38, 1-based): chr6:24,666,846, C>A on the plus strand (G>T on the coding strand, the complement: TDP2 is on the minus strand). VCF-style: chr6-24666846-C-A. GRCh37 (hg19) VCF-style: chr6-24667074-C-A.
Other names: short protein forms C6F.
Identifiers: ClinVar variation 770922 (VCV000770922.30), dbSNP rs61760186, ClinGen allele CA3658315.